The following is an entry in ClinVar:

ClinVar aggregate classification (germline): Uncertain significance. Review status: criteria provided, multiple submitters, no conflicts (2 of 4 stars). 4 submissions from 3 submitters: Uncertain significance (4). Last evaluated 2025-12-08.

Conditions:
Inborn genetic diseases. Identifiers: MedGen C0950123, MeSH D030342.
Stickler syndrome type 2 (STL2). Also called: STICKLER SYNDROME, TYPE II; STICKLER SYNDROME, BEADED VITREOUS TYPE; STICKLER SYNDROME, VITREOUS TYPE 2; COL11A1-Related Stickler Syndrome. Identifiers: Orphanet 828, Orphanet 90654, MedGen C1858084, MONDO:0011493, OMIM 604841.
Fibrochondrogenesis 1 (FBCG1). Identifiers: Orphanet 2021, MedGen C3278138, MONDO:0009226, OMIM 228520.

Submissions (4):

Labcorp Genetics (formerly Invitae), Labcorp
Classification: Uncertain significance. Last evaluated: 2025-12-08. Review status: criteria provided, single submitter. Criteria: Invitae Variant Classification Sherloc (09022015). Collection method: clinical testing. Allele origin: germline.
Comment: This sequence change replaces methionine, which is neutral and non-polar, with isoleucine, which is neutral and non-polar, at codon 1576 of the COL11A1 protein (p.Met1576Ile). This variant is not present in population databases (gnomAD no frequency). This variant has not been reported in the literature in individuals affected with COL11A1-related conditions. ClinVar contains an entry for this variant (Variation ID: 291496). Invitae Evidence Modeling of protein sequence and biophysical properties (such as structural, functional, and spatial information, amino acid conservation, physicochemical variation, residue mobility, and thermodynamic stability) indicates that this missense variant is not expected to disrupt COL11A1 protein function with a negative predictive value of 80%. In summary, the available evidence is currently insufficient to determine the role of this variant in disease. Therefore, it has been classified as a Variant of Uncertain Significance.

Ambry Genetics
Classification: Uncertain significance for Inborn genetic diseases. Last evaluated: 2024-07-15. Review status: criteria provided, single submitter. Criteria: Ambry Variant Classification Scheme 2023. Collection method: clinical testing. Allele origin: germline.

Illumina Laboratory Services, Illumina
Classification: Uncertain significance for Fibrochondrogenesis 1. Last evaluated: 2018-01-13. Review status: criteria provided, single submitter. Criteria: ICSL Variant Classification Criteria 13 December 2019. Collection method: clinical testing. Allele origin: germline.

Illumina Laboratory Services, Illumina
Classification: Uncertain significance for Stickler syndrome type 2. Last evaluated: 2018-01-13. Review status: criteria provided, single submitter. Criteria: ICSL Variant Classification Criteria 13 December 2019. Collection method: clinical testing. Allele origin: germline.

NM_001854.4(COL11A1):c.4728G>T (p.Met1576Ile)

Gene: COL11A1 (collagen type XI alpha 1 chain; minus strand). Cytogenetic location: 1p21.1.
Variant type: single nucleotide variant.
Coding change: c.4728G>T on transcript NM_001854.4 (MANE Select); coding-DNA position 4728, G replaced by T.
Protein change: p.Met1576Ile; replaces methionine 1576 with isoleucine.
Molecular consequence: missense variant. On other transcripts: non-coding transcript variant (1).
Genome position (GRCh38, 1-based): chr1:102,886,937, C>A on the plus strand (G>T on the coding strand, the complement: COL11A1 is on the minus strand). VCF-style: chr1-102886937-C-A. GRCh37 (hg19) VCF-style: chr1-103352493-C-A.
Other names: c.4611G>T, p.Met1537Ile (NM_001190709.2); c.4764G>T, p.Met1588Ile (NM_080629.3); c.4380G>T, p.Met1460Ile (NM_080630.4); short protein forms M1576I, M1588I, M1460I, M1537I.
Identifiers: ClinVar variation 291496 (VCV000291496.9), dbSNP rs886044974, ClinGen allele CA10607215.